The following is an entry in ClinVar:

NM_004260.4(RECQL4):c.3130A>T (p.Thr1044Ser)

Gene: RECQL4 (RecQ like helicase 4; minus strand). Cytogenetic location: 8q24.3.
Variant type: single nucleotide variant.
Coding change: c.3130A>T on transcript NM_004260.4 (MANE Select); coding-DNA position 3130, A replaced by T.
Protein change: p.Thr1044Ser; replaces threonine 1044 with serine.
Molecular consequence: missense variant.
Genome position (GRCh38, 1-based): chr8:144,512,250, T>A on the plus strand (A>T on the coding strand, the complement: RECQL4 is on the minus strand). VCF-style: chr8-144512250-T-A. GRCh37 (hg19) VCF-style: chr8-145737633-T-A.
Other names: short protein forms T1044S.
Identifiers: ClinVar variation 1044579 (VCV001044579.3), dbSNP rs1827381348, ClinGen allele CA372670419.

ClinVar aggregate classification (germline): Uncertain significance (1 of 4 stars; one submission).

Conditions:
Baller-Gerold syndrome (BGS). Also called: CRANIOSYNOSTOSIS WITH RADIAL DEFECTS. Identifiers: Orphanet 1225, MedGen C0265308, MONDO:0009039, OMIM 218600.

Submission:

Labcorp Genetics (formerly Invitae), Labcorp
Classification: Uncertain significance for Baller-Gerold syndrome. Last evaluated: 2020-03-29. Review status: criteria provided, single submitter. Criteria: Invitae Variant Classification Sherloc (09022015). Collection method: clinical testing. Allele origin: germline.
Comment: This sequence change replaces threonine with serine at codon 1044 of the RECQL4 protein (p.Thr1044Ser). The threonine residue is highly conserved and there is a small physicochemical difference between threonine and serine . In summary, the available evidence is currently insufficient to determine the role of this variant in disease. Therefore, it has been classified as a Variant of Uncertain Significance. Experimental studies and prediction algorithms are not available or were not evaluated, and the functional significance of this variant is currently unknown. This variant has not been reported in the literature in individuals with RECQL4-related conditions. This variant is not present in population databases (ExAC no frequency).